The following is an entry in ClinVar:

NC_000008.11:g.11703279A>G

Genes: GATA4 (GATA binding protein 4), LOC110121280 (VISTA enhancer hs2204). Cytogenetic location: 8p23.1.
Variant type: single nucleotide variant.
Molecular consequence: intron variant (on NM_001308094.2).
Genome position: GRCh38 VCF-style: chr8-11703279-A-G. GRCh37 (hg19) VCF-style: chr8-11560788-A-G.
Other names: c.-6+2501A>G (NM_001308094.2).
Identifiers: ClinVar variation 3353721 (VCV003353721.1).
Genomic context (GRCh38, chr8:11,703,279, plus strand): 5'-GCCGGCTGTTATCTGGGGCTGAAGGCTGCGGTAATCGATGGGTTATTTTTACGCGGTAAT[A>G]GGGCCCTGTGATTGCTCTATTAACCTTTAGACCTGTCTGAGGGACTCTCCGGCTCGCAGC-3'

ClinVar aggregate classification (germline): Likely benign (0 of 4 stars; one submission).

Conditions:
GATA4-related disorder. Also called: GATA4-related condition. Identifiers: MedGen CN860321.

gnomAD v4.1: 12 of 152,018 alleles (0.0079%); highest among the groups gnomAD compares: African/African-American, 0.029%; no homozygotes.

Submission:

PreventionGenetics, part of Exact Sciences
Classification: Likely benign for GATA4-related condition. Last evaluated: 2019-11-16. Review status: no assertion criteria provided. Collection method: clinical testing. Allele origin: germline.
Comment: This variant is classified as likely benign based on ACMG/AMP sequence variant interpretation guidelines (Richards et al. 2015 PMID: 25741868, with internal and published modifications).